The following is an entry in ClinVar:

NM_000059.4(BRCA2):c.5882G>T (p.Ser1961Ile)

Gene: BRCA2 (BRCA2 DNA repair associated; plus strand). Cytogenetic location: 13q13.1.
Variant type: single nucleotide variant.
Coding change: c.5882G>T on transcript NM_000059.4 (MANE Select); coding-DNA position 5882, G replaced by T.
Protein change: p.Ser1961Ile; replaces serine 1961 with isoleucine.
Molecular consequence: missense variant. On other transcripts: non-coding transcript variant (1), intron variant (2).
Genome position (GRCh38, 1-based): chr13:32,340,237, G>T. VCF-style: chr13-32340237-G-T. GRCh37 (hg19) VCF-style: chr13-32914374-G-T.
Other names: c.5882G>T, p.Ser1961Ile (NM_001406719.1, NM_001406720.1); c.1910-4321G>T (NM_001406721.1); c.425-4321G>T (NM_001406722.1); short protein forms S1961I.
Identifiers: ClinVar variation 2754593 (VCV002754593.3), dbSNP rs80358820, ClinGen allele CA6940907.
Genomic context (GRCh38, chr13:32,340,237, plus strand): 5'-AAGTTTCTAAAATATCACCTTGTGATGTTAGTTTGGAAACTTCAGATATATGTAAATGTA[G>T]TATAGGGAAGCTTCATAAGTCAGTCTCATCTGCAAATACTTGTGGGATTTTTAGCACAGC-3'
Protein context (NP_000050.3, residues 1951-1971): SLETSDICKC[Ser1961Ile]IGKLHKSVSS

ClinVar aggregate classification (germline): Uncertain significance (1 of 4 stars; one submission).

Conditions:
Hereditary breast ovarian cancer syndrome. Also called: Hereditary breast and ovarian cancer; Hereditary breast and ovarian cancer syndrome; Breast and ovarian cancer; BRCA1- and BRCA2-Associated Hereditary Breast and Ovarian Cancer; Hereditary breast and ovarian cancer syndrome (HBOC); Hereditary breast and/or ovarian cancer syndrome. Identifiers: Orphanet 145, MedGen C0677776, MeSH D061325, MONDO:0003582. Disease mechanism: loss of function.

Allele frequency attached by ClinVar (database versions not stated): ExAC 0.00001.
gnomAD v4.1: 4 of 1,613,970 alleles (0.00025%); highest among the groups gnomAD compares: South Asian, 0.0044%; 1 homozygote.

Submission:

Labcorp Genetics (formerly Invitae), Labcorp
Classification: Uncertain significance for Hereditary breast ovarian cancer syndrome. Last evaluated: 2023-08-23. Review status: criteria provided, single submitter. Criteria: Invitae Variant Classification Sherloc (09022015). Collection method: clinical testing. Allele origin: germline.
Comment: Advanced modeling of protein sequence and biophysical properties (such as structural, functional, and spatial information, amino acid conservation, physicochemical variation, residue mobility, and thermodynamic stability) performed at Invitae indicates that this missense variant is not expected to disrupt BRCA2 protein function. This variant has not been reported in the literature in individuals affected with BRCA2-related conditions. This variant is present in population databases (rs80358820, gnomAD 0.003%). This sequence change replaces serine, which is neutral and polar, with isoleucine, which is neutral and non-polar, at codon 1961 of the BRCA2 protein (p.Ser1961Ile). In summary, the available evidence is currently insufficient to determine the role of this variant in disease. Therefore, it has been classified as a Variant of Uncertain Significance.